The following is an entry in ClinVar:

ClinVar aggregate classification (germline): Conflicting classifications of pathogenicity. Review status: criteria provided, conflicting classifications (1 of 4 stars). 6 submissions from 6 submitters: Likely pathogenic (2); Uncertain significance (4). Last evaluated 2026-07-05.

Conditions:
ALPL-related disorder. Also called: ALPL-related condition; ALPL-related disorders.
Hypophosphatasia. Also called: Phosphoethanol-aminuria. Identifiers: Orphanet 436, MedGen C0020630, MeSH D007014, MONDO:0018570.
Adult hypophosphatasia. Identifiers: Orphanet 247676, Orphanet 436, MedGen C0268413, MONDO:1010154, OMIM 146300, MONDO:0007798.
Childhood hypophosphatasia. Identifiers: Orphanet 247667, Orphanet 436, MedGen C0220743, MONDO:1010168, OMIM 241510, MONDO:0009428.
Infantile hypophosphatasia. Identifiers: Orphanet 247651, Orphanet 436, MedGen C0268412, MONDO:1010169, OMIM 241500, MONDO:0009427.

Allele frequency attached by ClinVar (database versions not stated): ExAC 0.00002.
gnomAD v4.1: 17 of 1,613,988 alleles (0.0011%); highest among the groups gnomAD compares: African/African-American, 0.017%; no homozygotes.

Submissions (6):

PreventionGenetics, part of Exact Sciences
Classification: Uncertain significance for ALPL-related condition. Last evaluated: 2026-07-05. Review status: criteria provided, single submitter. Criteria: ACMG Guidelines, 2015. Collection method: clinical testing. Allele origin: germline.
Comment: The ALPL c.746G>C variant is predicted to result in the amino acid substitution p.Gly249Ala. This variant was reported in a skeletal dysplasia cohort study (Table S5, MacCarrick et al. 2024. PubMed ID: 38702915). This variant is reported in 0.020% of alleles in individuals of African descent in gnomAD. At this time, the clinical significance of this variant is uncertain due to the absence of conclusive functional and genetic evidence.

Women's Health and Genetics/Laboratory Corporation of America, LabCorp
Classification: Likely pathogenic for Hypophosphatasia. Last evaluated: 2026-06-18. Review status: criteria provided, single submitter. Criteria: LabCorp Variant Classification Summary - May 2015. Collection method: clinical testing. Allele origin: germline.
Comment: Variant summary: ALPL c.746G>C (p.Gly249Ala) results in a non-conservative amino acid change in the encoded protein sequence. Algorithms developed to predict the effect of missense changes on protein structure and function all suggest that this variant is likely to be disruptive. The variant allele was found at a frequency of 1.6e-05 in 251394 control chromosomes. c.746G>C has been observed in in one individual affected with skeletal dysplasia (MacCarrick_2024). A different variant affecting the same codon has been classified as pathogenic by our lab (c.746G>T, p.Gly249Val), supporting the critical relevance of codon 249 to ALPL protein function. To our knowledge, no experimental evidence demonstrating an impact on protein function has been reported. Internally validated machine learning-based Evidence Modeling of protein sequence and biophysical properties (such as structural, functional, and spatial information, amino acid conservation, physicochemical variation, residue mobility, and thermodynamic stability) indicates that this missense variant is expected to disrupt protein function with a positive predictive value of at least 95%. The following publication has been ascertained in the context of this evaluation (PMID: 38702915). ClinVar contains an entry for this variant (Variation ID: 1313062). Based on the evidence outlined above, the variant was classified as likely pathogenic.

Labcorp Genetics (formerly Invitae), Labcorp
Classification: Likely pathogenic. Last evaluated: 2025-11-10. Review status: criteria provided, single submitter. Criteria: Invitae Variant Classification Sherloc (09022015). Collection method: clinical testing. Allele origin: germline.
Comment: This sequence change replaces glycine, which is neutral and non-polar, with alanine, which is neutral and non-polar, at codon 249 of the ALPL protein (p.Gly249Ala). This variant is present in population databases (rs121918018, gnomAD 0.02%). This missense change has been observed in individual(s) with ALPL-related conditions (PMID: 38702915). ClinVar contains an entry for this variant (Variation ID: 1313062). Invitae Evidence Modeling of protein sequence and biophysical properties (such as structural, functional, and spatial information, amino acid conservation, physicochemical variation, residue mobility, and thermodynamic stability) indicates that this missense variant is expected to disrupt ALPL protein function with a positive predictive value of 95%. This variant disrupts the p.Gly249 amino acid residue in ALPL. Other variant(s) that disrupt this residue have been determined to be pathogenic (PMID: 10094560, 11479741, 17719863, 18340466). This suggests that this residue is clinically significant, and that variants that disrupt this residue are likely to be disease-causing. In summary, the currently available evidence indicates that the variant is pathogenic, but additional data are needed to prove that conclusively. Therefore, this variant has been classified as Likely Pathogenic.

Fulgent Genetics
Classification: Uncertain significance for Adult hypophosphatasia; Infantile hypophosphatasia; Childhood hypophosphatasia. Last evaluated: 2024-05-16. Review status: criteria provided, single submitter. Criteria: ACMG Guidelines, 2015. Collection method: clinical testing. Allele origin: germline.

GeneDx
Classification: Uncertain significance. Last evaluated: 2020-07-06. Review status: criteria provided, single submitter. Criteria: GeneDx Variant Classification Process June 2021. Collection method: clinical testing. Allele origin: germline. Affected: yes.
Comment: In silico analysis supports that this missense variant has a deleterious effect on protein structure/function; Has not been previously published as pathogenic or benign to our knowledge

Breakthrough Genomics
Classification: Uncertain significance. Review status: criteria provided, single submitter. Criteria: ACMG Guidelines, 2015. Collection method: not provided. Allele origin: germline. Inheritance: Autosomal recessive inheritance. Affected: yes.

Literature cited by the submitters: PubMed 38702915 (cited by Women's Health and Genetics/Laboratory Corporation of America, LabCorp and Labcorp Genetics (formerly Invitae), Labcorp); PubMed 10094560 (cited by Labcorp Genetics (formerly Invitae), Labcorp); PubMed 11479741 (cited by Labcorp Genetics (formerly Invitae), Labcorp); PubMed 17719863 (cited by Labcorp Genetics (formerly Invitae), Labcorp); PubMed 18340466 (cited by Labcorp Genetics (formerly Invitae), Labcorp).

NM_000478.6(ALPL):c.746G>C (p.Gly249Ala)

Gene: ALPL (alkaline phosphatase, biomineralization associated; plus strand). Cytogenetic location: 1p36.12.
Variant type: single nucleotide variant.
Coding change: c.746G>C on transcript NM_000478.6 (MANE Select); coding-DNA position 746, G replaced by C.
Protein change: p.Gly249Ala; replaces glycine 249 with alanine.
Molecular consequence: missense variant.
Genome position (GRCh38, 1-based): chr1:21,568,201, G>C. VCF-style: chr1-21568201-G-C. GRCh37 (hg19) VCF-style: chr1-21894694-G-C.
Other names: c.746G>C (NM_000478.5); c.581G>C, p.Gly194Ala (NM_001127501.4); c.515G>C, p.Gly172Ala (NM_001177520.3); c.746G>C, p.Gly249Ala (NM_001369803.2, NM_001369804.2, NM_001369805.2); short protein forms G172A, G194A, G249A.
Identifiers: ClinVar variation 1313062 (VCV001313062.13), dbSNP rs121918018, ClinGen allele CA666594.